The following is an entry in ClinVar:

ClinVar aggregate classification (germline): Uncertain significance (1 of 4 stars; one submission).

Conditions:
Left ventricular noncompaction 1 (LVNC1). Also called: LEFT VENTRICULAR NONCOMPACTION 1 WITH OR WITHOUT CONGENITAL HEART DEFECTS. Identifiers: Orphanet 54260, MedGen C1858725, MONDO:0011403, OMIM 604169.

Allele frequency attached by ClinVar (database versions not stated): gnomAD exomes below 0.00001; ExAC 0.00001; gnomAD 0.00001; TOPMed 0.00001.
gnomAD v4.1: 3 of 1,613,948 alleles (0.00019%); highest among the groups gnomAD compares: African/African-American, 0.004%; no homozygotes.

Submission:

Labcorp Genetics (formerly Invitae), Labcorp
Classification: Uncertain significance for Left ventricular noncompaction 1. Last evaluated: 2022-01-05. Review status: criteria provided, single submitter. Criteria: Invitae Variant Classification Sherloc (09022015). Collection method: clinical testing. Allele origin: germline.
Comment: This variant has not been reported in the literature in individuals affected with DTNA-related conditions. This variant is present in population databases (rs752646223, gnomAD 0.007%). This sequence change replaces aspartic acid, which is acidic and polar, with asparagine, which is neutral and polar, at codon 698 of the DTNA protein (p.Asp698Asn). Algorithms developed to predict the effect of missense changes on protein structure and function (SIFT, PolyPhen-2, Align-GVGD) all suggest that this variant is likely to be tolerated. In summary, the available evidence is currently insufficient to determine the role of this variant in disease. Therefore, it has been classified as a Variant of Uncertain Significance.

NM_001386795.1(DTNA):c.2173G>A (p.Asp725Asn)

Gene: DTNA (dystrobrevin alpha; plus strand). Cytogenetic location: 18q12.1.
Variant type: single nucleotide variant.
Coding change: c.2173G>A on transcript NM_001386795.1 (MANE Select); coding-DNA position 2173, G replaced by A.
Protein change: p.Asp725Asn; replaces aspartic acid 725 with asparagine.
Molecular consequence: missense variant.
Genome position (GRCh38, 1-based): chr18:34,882,079, G>A. VCF-style: chr18-34882079-G-A. GRCh37 (hg19) VCF-style: chr18-32462043-G-A.
Other names: c.1912G>A, p.Asp638Asn (NM_001198938.2, NM_001198940.2, NM_001386753.1 and 5 more transcripts); c.1933G>A, p.Asp645Asn (NM_001198939.2); c.1219G>A, p.Asp407Asn (NM_001198942.1); c.1162G>A, p.Asp388Asn (NM_001198943.1); c.1048G>A, p.Asp350Asn (NM_001198944.1); c.2002G>A, p.Asp668Asn (NM_001386754.1, NM_001386755.1, NM_001386756.1 and 3 more transcripts); c.1999G>A, p.Asp667Asn (NM_001386760.1); c.1921G>A, p.Asp641Asn (NM_001386761.1, NM_032975.4); and 5 more; short protein forms D346N, D388N, D637N, D645N, D667N, D725N, D350N, D407N.
Identifiers: ClinVar variation 1909579 (VCV001909579.5), dbSNP rs752646223, ClinGen allele CA8935960.